The following is an entry in ClinVar:

NM_006939.4(SOS2):c.1127C>G (p.Thr376Ser)

Gene: SOS2 (SOS Ras/Rho guanine nucleotide exchange factor 2; minus strand). Cytogenetic location: 14q21.3.
Variant type: single nucleotide variant.
Coding change: c.1127C>G on transcript NM_006939.4 (MANE Select); coding-DNA position 1127, C replaced by G.
Protein change: p.Thr376Ser; replaces threonine 376 with serine.
Molecular consequence: missense variant.
Genome position (GRCh38, 1-based): chr14:50,161,551, G>C on the plus strand (C>G on the coding strand, the complement: SOS2 is on the minus strand). VCF-style: chr14-50161551-G-C. GRCh37 (hg19) VCF-style: chr14-50628269-G-C.
Other names: short protein forms T376S.
Identifiers: ClinVar variation 209091 (VCV000209091.35), dbSNP rs869320687, ClinGen allele CA358853.

ClinVar aggregate classification (germline): Pathogenic. Review status: criteria provided, multiple submitters, no conflicts (2 of 4 stars). 10 submissions from 10 submitters: Pathogenic (7). 3 of the submissions do not count toward it. Last evaluated 2026-01-28.

Conditions:
Noonan syndrome (NS). Also called: Noonan's syndrome. Identifiers: Orphanet 648, MedGen C0028326, MeSH D009634, MONDO:0018997. Disease mechanism: gain of function.
Noonan syndrome 9 (NS9). Identifiers: Orphanet 648, MedGen C4225282, MONDO:0014691, OMIM 616559.
Noonan syndrome 1 (NS1). Also called: FEMALE PSEUDO-TURNER SYNDROME; PTPN11-Related Noonan Syndrome; TURNER PHENOTYPE WITH NORMAL KARYOTYPE. Identifiers: Orphanet 648, MedGen C4551602, MONDO:0008104, OMIM 163950. Disease mechanism: gain of function.

Submissions (10):

Labcorp Genetics (formerly Invitae), Labcorp
Classification: Pathogenic for Noonan syndrome 9. Last evaluated: 2026-01-28. Review status: criteria provided, single submitter. Criteria: Invitae Variant Classification Sherloc (09022015). Collection method: clinical testing. Allele origin: germline.
Comment: This sequence change replaces threonine, which is neutral and polar, with serine, which is neutral and polar, at codon 376 of the SOS2 protein (p.Thr376Ser). This variant is not present in population databases (gnomAD no frequency). This missense change has been observed in individuals with Noonan syndrome (PMID: 25795793, 26173643). It has also been observed to segregate with disease in related individuals. ClinVar contains an entry for this variant (Variation ID: 209091). Invitae Evidence Modeling of protein sequence and biophysical properties (such as structural, functional, and spatial information, amino acid conservation, physicochemical variation, residue mobility, and thermodynamic stability) indicates that this missense variant is not expected to disrupt SOS2 protein function with a negative predictive value of 95%. Experimental studies have shown that this missense change affects SOS2 function (PMID: 26173643). For these reasons, this variant has been classified as Pathogenic.

Variantyx, Inc.
Classification: Pathogenic for Noonan syndrome 9. Last evaluated: 2025-05-13. Review status: criteria provided, single submitter. Criteria: Variantyx Assertion Criteria 2022. Collection method: clinical testing. Allele origin: germline. Inheritance: Autosomal dominant inheritance. Affected: yes.
Comment: This is a nonsynonymous variant in the SOS2 gene (OMIM: 601247). Pathogenic variants in this gene have been associated with autosomal dominant Noonan syndrome 9. This variant has been reported in several unrelated affected individuals (PMID: 25795793, 26173643) (PS4), and it has been observed to segregate with disease in at least 2 families (PMID: 25795793, 26173643) (PP1). Computational algorithms produce conflicting evidence regarding the predicted functional impact of this variant (REVEL score: 0.368)., but functional studies have shown that this variant alters SOS2 protein function (PMID: 26173643) (PS3). Moreiver, an alternate nucleotide substitution resulting in the same amino acid change (c.1126A>T) has been previously reported as pathogenic (PMID: 26173643) (PS1). This variant is absent from control populations (PM2). Based on the current evidence, this variant is classified as pathogenic for autosomal dominant Noonan syndrome 9.

CeGaT Center for Human Genetics Tuebingen
Classification: Pathogenic. Last evaluated: 2024-11-01. Review status: criteria provided, single submitter. Criteria: CeGaT Center For Human Genetics Tuebingen Variant Classification Criteria Version 2. Collection method: clinical testing. Allele origin: germline. Affected: yes. Observed: 1 variant allele.
Comment: SOS2: PS1, PM2, PS4:Moderate, PS2:Supporting, PS3:Supporting

GeneDx
Classification: Pathogenic. Last evaluated: 2024-06-20. Review status: criteria provided, single submitter. Criteria: GeneDx Variant Classification Process June 2021. Collection method: clinical testing. Allele origin: germline. Affected: yes.
Comment: Published functional studies demonstrate increased RAS activation, supporting a gain of function (PMID: 26173643); Not observed at significant frequency in large population cohorts (gnomAD); In silico analysis indicates that this missense variant does not alter protein structure/function; This variant is associated with the following publications: (PMID: 30707178, 27942422, 26446362, 29750912, 31573083, 34643321, 32788663, 26173643, 25795793, 27535533)

Department of Human Genetics, University Hospital Magdeburg
Classification: Pathogenic for Noonan syndrome 9. Last evaluated: 2020-07-02. Review status: criteria provided, single submitter. Criteria: ClinGen's RASopathy Expert Panel Guidelines, 2018. Collection method: clinical testing. Allele origin: maternal. Inheritance: Autosomal dominant inheritance. Affected: yes. Observed: 2 variant alleles.
Comment: This variant has been proven to affect protein function using functional studies (PS3). It is absent from gnomAD (PM2). A variant at the analogous position in SOS1 (c.1132A>G) has been described as pathogenic (PM5). The variant is assumed to be de novo, but without confirmation of paternity and maternity (PM6) and it has been classified as pathogenic in ClinVar (PP5).

Center for Pediatric Genomic Medicine, Children's Mercy Hospital and Clinics
Classification: Pathogenic. Last evaluated: 2016-04-27. Review status: criteria provided, single submitter. Criteria: ACMG Guidelines, 2015. Collection method: clinical testing. Allele origin: germline.

Genome-Nilou Lab
Classification: Pathogenic for Noonan syndrome 9. Review status: criteria provided, single submitter. Criteria: ACMG Guidelines, 2015. Collection method: clinical testing. Allele origin: germline.

Yale Center for Mendelian Genomics, Yale University
Classification: Likely pathogenic for Noonan syndrome. Last evaluated: 2015-08-03. Review status: no assertion criteria provided. Collection method: literature only. Allele origin: de novo. Affected: yes. Observed: 2 heterozygotes. Not counted in ClinVar's aggregate classification.

OMIM
Classification: Pathogenic for NOONAN SYNDROME 9. Last evaluated: 2015-06-01. Review status: no assertion criteria provided. Collection method: literature only. Allele origin: germline. Not counted in ClinVar's aggregate classification.

Molecular Genetics, Centre for Human Genetics
Classification: Pathogenic for Noonan syndrome 1. Review status: no assertion criteria provided. Collection method: clinical testing. Allele origin: de novo. Inheritance: Autosomal dominant inheritance. Affected: yes. Observed: 1 variant allele. Not counted in ClinVar's aggregate classification.

Literature cited by the submitters: PubMed 25795793 (cited by 3 submitters); PubMed 26173643 (cited by 4 submitters).